The following is an entry in ClinVar:

NM_147127.5(EVC2):c.3575G>A (p.Trp1192Ter)

Gene: EVC2 (EvC ciliary complex subunit 2; minus strand). Cytogenetic location: 4p16.2.
Variant type: single nucleotide variant.
Coding change: c.3575G>A on transcript NM_147127.5 (MANE Select); coding-DNA position 3575, G replaced by A.
Protein change: p.Trp1192Ter; replaces tryptophan 1192 with a stop codon.
Molecular consequence: nonsense.
Genome position (GRCh38, 1-based): chr4:5,565,342, C>T on the plus strand (G>A on the coding strand, the complement: EVC2 is on the minus strand). VCF-style: chr4-5565342-C-T. GRCh37 (hg19) VCF-style: chr4-5567069-C-T.
Other names: c.3335G>A, p.Trp1112Ter (NM_001166136.2); short protein forms W1112*, W1192*.
Identifiers: ClinVar variation 3757648 (VCV003757648.2).

ClinVar aggregate classification (germline): Pathogenic (1 of 4 stars; one submission).

Conditions:
Curry-Hall syndrome (WAD). Also called: WEYERS ACRODENTAL DYSOSTOSIS. Identifiers: Orphanet 952, MedGen C0457013, MONDO:0008673, OMIM 193530.
Ellis-van Creveld syndrome (EVC). Also called: EVC-Related Ellis-van Creveld Syndrome; EVC2-Related Ellis-van Creveld Syndrome; MESOECTODERMAL DYSPLASIA; Chondroectodermal dysplasia. Identifiers: Orphanet 289, MedGen C0013903, MONDO:0009162, OMIM 225500.

Submission:

Labcorp Genetics (formerly Invitae), Labcorp
Classification: Pathogenic for Curry-Hall syndrome; Ellis-van Creveld syndrome. Last evaluated: 2024-08-12. Review status: criteria provided, single submitter. Criteria: Invitae Variant Classification Sherloc (09022015). Collection method: clinical testing. Allele origin: germline.
Comment: This sequence change creates a premature translational stop signal (p.Trp1192*) in the EVC2 gene. It is expected to result in an absent or disrupted protein product. Loss-of-function variants in EVC2 are known to be pathogenic (PMID: 17024374, 19810119, 19876929). This variant is not present in population databases (gnomAD no frequency). This variant has not been reported in the literature in individuals affected with EVC2-related conditions. For these reasons, this variant has been classified as Pathogenic.

Literature cited by the submitters: PubMed 17024374; PubMed 19810119; PubMed 19876929.